The following is an entry in ClinVar:

ClinVar aggregate classification (germline): Uncertain significance (1 of 4 stars; one submission).

Conditions:
Hereditary pheochromocytoma and paraganglioma. Also called: Hereditary pheochromocytoma-paraganglioma; Hereditary Paraganglioma-Pheochromocytoma Syndromes; Hereditary paragangliomas and pheochromocytomas. Identifiers: Orphanet 29072, MedGen C4274332, MONDO:0017366.

Submission:

Labcorp Genetics (formerly Invitae), Labcorp
Classification: Uncertain significance for Hereditary pheochromocytoma and paraganglioma. Last evaluated: 2023-06-22. Review status: criteria provided, single submitter. Criteria: Invitae Variant Classification Sherloc (09022015). Collection method: clinical testing. Allele origin: germline.
Comment: In summary, the available evidence is currently insufficient to determine the role of this variant in disease. Therefore, it has been classified as a Variant of Uncertain Significance. Experimental studies and prediction algorithms are not available or were not evaluated, and the functional significance of this variant is currently unknown. This variant has not been reported in the literature in individuals affected with MAX-related conditions. A copy number gain of the genomic region encompassing the full coding sequence of the MAX gene has been identified. The boundaries of this event are unknown as they extend beyond the assayed region for this gene and therefore may encompass additional genes. As the precise location of this event is unknown, it may be in tandem or it may be located elsewhere in the genome.

NC_000014.8:g.(?_65543194)_(65569057_?)dup

Gene: MAX (MYC associated transcriptional regulator X; minus strand). Cytogenetic location: 14q23.3.
Variant type: Duplication.
Identifiers: ClinVar variation 1015047 (VCV001015047.6).